The following is an entry in ClinVar:

ClinVar aggregate classification (germline): Pathogenic/Likely pathogenic. Review status: criteria provided, multiple submitters, no conflicts (2 of 4 stars). 6 submissions from 6 submitters: Pathogenic (2); Likely pathogenic (4). Last evaluated 2025-09-25.

Conditions:
Hereditary cancer-predisposing syndrome. Also called: Hereditary neoplastic syndrome; Neoplastic Syndromes, Hereditary; Tumor predisposition; Hereditary Cancer Syndrome. Identifiers: Orphanet 140162, MedGen C0027672, MeSH D009386, MONDO:0015356.
Familial cancer of breast. Also called: BREAST CANCER, FAMILIAL; Hereditary breast cancer; hereditary breast carcinoma. Identifiers: Orphanet 227535, MedGen C0346153, MONDO:0016419, OMIM 114480. Disease mechanism: loss of function.
Ataxia-telangiectasia syndrome (AT). Also called: LOUIS-BAR SYNDROME; Cerebello-oculocutaneous telangiectasia; Immunodeficiency with ataxia telangiectasia; AT, COMPLEMENTATION GROUP C; Ataxia-telangiectasia, complementation group D; ATAXIA-TELANGIECTASIA, COMPLEMENTATION GROUP A. Identifiers: Orphanet 100, MedGen C0004135, MONDO:0008840, OMIM 208900.

Allele frequency attached by ClinVar (database versions not stated): TOPMed below 0.00001.

Submissions (6):

Natera, Inc.
Classification: Pathogenic for Ataxia-telangiectasia. Last evaluated: 2025-09-25. Review status: criteria provided, single submitter. Criteria: Natera Variant Classification Schema (03/2026). Collection method: clinical testing. Allele origin: germline.
Comment: The c.2838+1G>T variant in ATM is a canonical splice donor site variant predicted to affect pre-mRNA splicing, which may result in an abnormal transcript and altered protein product. This variant is expected to result in nonsense mediated decay, truncation, or a dysfunctional protein product. This variant is rare in the general population with a frequency below the threshold expected for the associated phenotype(s). Another variant at this same site results in an alteration predicted to cause a similar molecular effect has been observed in individual(s) with the associated phenotype. Given the available evidence, this variant is classified as Pathogenic.

Ambry Genetics
Classification: Likely pathogenic for Hereditary cancer-predisposing syndrome. Last evaluated: 2025-06-10. Review status: criteria provided, single submitter. Criteria: Ambry Variant Classification Scheme 2023. Collection method: clinical testing. Allele origin: germline.
Comment: The c.2838+1G>T intronic variant results from a G to T substitution one nucleotide after coding exon 17 of the ATM gene. This nucleotide position is highly conserved in available vertebrate species. In silico splice site analysis predicts that this alteration will weaken the native splice donor site; however, direct evidence is insufficient at this time (Ambry internal data). Alterations that disrupt the canonical splice site are expected to cause aberrant splicing, resulting in an abnormal protein or a transcript that is subject to nonsense-mediated mRNA decay. As such, this alteration is classified as likely pathogenic.

Molecular Pathology, Peter Maccallum Cancer Centre
Classification: Pathogenic for Ataxia-telangiectasia syndrome. Last evaluated: 2025-02-27. Review status: criteria provided, single submitter. Criteria: ACMG Guidelines, 2015. Collection method: clinical testing. Allele origin: germline. Inheritance: Autosomal recessive inheritance.

Myriad Genetics, Inc.
Classification: Likely pathogenic for Familial cancer of breast. Last evaluated: 2024-01-18. Review status: criteria provided, single submitter. Criteria: Myriad Autosomal Dominant, Autosomal Recessive and X-Linked Classification Criteria (2023). Collection method: clinical testing. Allele origin: unknown.
Comment: This variant is considered likely pathogenic. This variant occurs within a consensus splice junction and is predicted to result in abnormal mRNA splicing of either an out-of-frame exon or an in-frame exon necessary for protein stability and/or normal function.

Labcorp Genetics (formerly Invitae), Labcorp
Classification: Likely pathogenic for Ataxia-telangiectasia syndrome. Last evaluated: 2023-05-31. Review status: criteria provided, single submitter. Criteria: Invitae Variant Classification Sherloc (09022015). Collection method: clinical testing. Allele origin: germline.
Comment: Algorithms developed to predict the effect of sequence changes on RNA splicing suggest that this variant may disrupt the consensus splice site. ClinVar contains an entry for this variant (Variation ID: 481191). This variant has not been reported in the literature in individuals affected with ATM-related conditions. This variant is not present in population databases (gnomAD no frequency). This sequence change affects a donor splice site in intron 18 of the ATM gene. It is expected to disrupt RNA splicing. Variants that disrupt the donor or acceptor splice site typically lead to a loss of protein function (PMID: 16199547), and loss-of-function variants in ATM are known to be pathogenic (PMID: 23807571, 25614872). In summary, the currently available evidence indicates that the variant is pathogenic, but additional data are needed to prove that conclusively. Therefore, this variant has been classified as Likely Pathogenic.

Baylor Genetics
Classification: Likely pathogenic for Familial cancer of breast. Last evaluated: 2021-01-27. Review status: criteria provided, single submitter. Criteria: ACMG Guidelines, 2015. Collection method: clinical testing. Allele origin: unknown.

Literature cited by the submitters: PubMed 16199547 (cited by Labcorp Genetics (formerly Invitae), Labcorp); PubMed 23807571 (cited by Labcorp Genetics (formerly Invitae), Labcorp); PubMed 25614872 (cited by Labcorp Genetics (formerly Invitae), Labcorp).

NM_000051.4(ATM):c.2838+1G>T

Gene: ATM (ATM serine/threonine kinase; plus strand). Cytogenetic location: 11q22.3.
Variant type: single nucleotide variant.
Coding change: c.2838+1G>T on transcript NM_000051.4 (MANE Select); the canonical splice donor site of the intron after coding-DNA position 2838, G replaced by T.
Molecular consequence: splice donor variant.
Genome position (GRCh38, 1-based): chr11:108,268,610, G>T. VCF-style: chr11-108268610-G-T. GRCh37 (hg19) VCF-style: chr11-108139337-G-T.
Other names: c.2838+1G>T (NM_001351834.2).
Identifiers: ClinVar variation 481191 (VCV000481191.15), dbSNP rs1555083469, ClinGen allele CA382545873.